The following is an entry in ClinVar:

NM_000539.3(RHO):c.644C>T (p.Pro215Leu)

Gene: RHO (rhodopsin; plus strand). Cytogenetic location: 3q22.1.
Variant type: single nucleotide variant.
Coding change: c.644C>T on transcript NM_000539.3 (MANE Select); coding-DNA position 644, C replaced by T.
Protein change: p.Pro215Leu; replaces proline 215 with leucine.
Molecular consequence: missense variant.
Genome position (GRCh38, 1-based): chr3:129,532,364, C>T. VCF-style: chr3-129532364-C-T. GRCh37 (hg19) VCF-style: chr3-129251207-C-T.
Other names: short protein forms P215L.
Identifiers: ClinVar variation 870955 (VCV000870955.45), dbSNP rs2084786704, ClinGen allele CA354469945.

ClinVar aggregate classification (germline): Pathogenic/Likely pathogenic. Review status: criteria provided, multiple submitters, no conflicts (2 of 4 stars). 4 submissions from 4 submitters: Pathogenic (3); Likely pathogenic (1). Last evaluated 2024-04-29.

Conditions:
RHO-related disorder. Also called: RHO-related condition.
Retinal dystrophy. Also called: Inherited retinal dystrophy. Identifiers: Orphanet 71862, MedGen C0854723, MeSH D058499, MONDO:0019118, HP:0000556.

Submissions (4):

Blueprint Genetics
Classification: Pathogenic for RHO-related disorders. Last evaluated: 2024-04-29. Review status: criteria provided, single submitter. Criteria: ACMG Guidelines, 2015. Collection method: clinical testing. Allele origin: germline. Affected: yes. Observed: 1 variant allele.

Labcorp Genetics (formerly Invitae), Labcorp
Classification: Pathogenic. Last evaluated: 2023-04-24. Review status: criteria provided, single submitter. Criteria: Invitae Variant Classification Sherloc (09022015). Collection method: clinical testing. Allele origin: germline.
Comment: For these reasons, this variant has been classified as Pathogenic. This variant disrupts the p.Pro215 amino acid residue in RHO. Other variant(s) that disrupt this residue have been determined to be pathogenic (PMID: 8081400, 22321012, 26962691). This suggests that this residue is clinically significant, and that variants that disrupt this residue are likely to be disease-causing. Experimental studies have shown that this missense change affects RHO function (PMID: 30977563). Advanced modeling of protein sequence and biophysical properties (such as structural, functional, and spatial information, amino acid conservation, physicochemical variation, residue mobility, and thermodynamic stability) performed at Invitae indicates that this missense variant is expected to disrupt RHO protein function. ClinVar contains an entry for this variant (Variation ID: 870955). This missense change has been observed in individuals with retinitis pigmentosa (PMID: 10874327, 32013026, 32531858). This variant is not present in population databases (gnomAD no frequency). This sequence change replaces proline, which is neutral and non-polar, with leucine, which is neutral and non-polar, at codon 215 of the RHO protein (p.Pro215Leu).

CeGaT Center for Human Genetics Tuebingen
Classification: Pathogenic. Last evaluated: 2019-02-01. Review status: criteria provided, single submitter. Criteria: CeGaT Center For Human Genetics Tuebingen Variant Classification Criteria Version 2. Collection method: clinical testing. Allele origin: germline. Affected: yes. Observed: 3 variant alleles.

Institute of Human Genetics, Univ. Regensburg, Univ. Regensburg
Classification: Likely pathogenic for Retinal dystrophy. Last evaluated: 2013-01-01. Review status: criteria provided, single submitter. Criteria: ACMG Guidelines, 2015. Collection method: clinical testing. Allele origin: germline. Affected: yes.

Literature cited by the submitters: PubMed 8081400 (cited by Labcorp Genetics (formerly Invitae), Labcorp); PubMed 22321012 (cited by Labcorp Genetics (formerly Invitae), Labcorp); PubMed 26962691 (cited by Labcorp Genetics (formerly Invitae), Labcorp); PubMed 30977563 (cited by Labcorp Genetics (formerly Invitae), Labcorp and Institute of Human Genetics, Univ. Regensburg, Univ. Regensburg); PubMed 10874327 (cited by Labcorp Genetics (formerly Invitae), Labcorp and Institute of Human Genetics, Univ. Regensburg, Univ. Regensburg); PubMed 32013026 (cited by Labcorp Genetics (formerly Invitae), Labcorp and Institute of Human Genetics, Univ. Regensburg, Univ. Regensburg); PubMed 32531858 (cited by Labcorp Genetics (formerly Invitae), Labcorp and Institute of Human Genetics, Univ. Regensburg, Univ. Regensburg); PubMed 21094163 (cited by Institute of Human Genetics, Univ. Regensburg, Univ. Regensburg); PubMed 36460718 (cited by Institute of Human Genetics, Univ. Regensburg, Univ. Regensburg).